The following is an entry in ClinVar:

ClinVar aggregate classification (germline): Uncertain significance. Review status: criteria provided, multiple submitters, no conflicts (2 of 4 stars). 2 submissions from 2 submitters: Uncertain significance (2). Last evaluated 2023-06-08.

Conditions:
Arrhythmogenic cardiomyopathy with wooly hair and keratoderma. Also called: Carvajal syndrome; Dilated cardiomyopathy with woolly hair and keratoderma; PALMOPLANTAR KERATODERMA WITH LEFT VENTRICULAR CARDIOMYOPATHY AND WOOLLY HAIR; Arrhythmogenic cardiomyopathy with woolly hair and keratoderma. Identifiers: Orphanet 65282, MedGen C1854063, MONDO:0011581, OMIM 605676.

Submissions (2):

All of Us Research Program, National Institutes of Health
Classification: Uncertain significance for Arrhythmogenic cardiomyopathy with wooly hair and keratoderma. Last evaluated: 2023-06-08. Review status: criteria provided, single submitter. Criteria: ACMG Guidelines, 2015. Collection method: clinical testing. Allele origin: germline. Inheritance: Autosomal dominant inheritance. Observed: 1 variant allele, 1 heterozygote.
Comment: This missense variant replaces aspartic acid with asparagine at codon 1638 of the DSP protein. Computational prediction suggests that this variant may not impact protein structure and function (internally defined REVEL score threshold <= 0.5, PMID: 27666373). To our knowledge, functional studies have not been reported for this variant. This variant has not been reported in individuals affected with DSP-related disorders in the literature. This variant has not been identified in the general population by the Genome Aggregation Database (gnomAD). The available evidence is insufficient to determine the role of this variant in disease conclusively. Therefore, this variant is classified as a Variant of Uncertain Significance.

This study involves interpretation of variants in research participants for the purpose of population health screening. Participant phenotype was not available at the time of variant classification. Additional details can be found in publication PMID: 35346344, PMCID: PMC8962531

GeneDx
Classification: Uncertain significance. Last evaluated: 2019-11-15. Review status: criteria provided, single submitter. Criteria: GeneDx Variant Classification Process June 2021. Collection method: clinical testing. Allele origin: germline. Affected: yes.
Comment: Not observed in large population cohorts (Lek et al., 2016); In silico analysis, which includes protein predictors and evolutionary conservation, supports that this variant does not alter protein structure/function; Has not been previously published as pathogenic or benign to our knowledge

NM_004415.4(DSP):c.4912G>A (p.Asp1638Asn)

Gene: DSP (desmoplakin; plus strand). Cytogenetic location: 6p24.3.
Variant type: single nucleotide variant.
Coding change: c.4912G>A on transcript NM_004415.4 (MANE Select); coding-DNA position 4912, G replaced by A.
Protein change: p.Asp1638Asn; replaces aspartic acid 1638 with asparagine.
Molecular consequence: missense variant. On other transcripts: intron variant (2).
Genome position (GRCh38, 1-based): chr6:7,581,102, G>A. VCF-style: chr6-7581102-G-A. GRCh37 (hg19) VCF-style: chr6-7581335-G-A.
Other names: c.4050+862G>A (NM_001319034.2); c.3582+1330G>A (NM_001008844.3); short protein forms D1638N.
Identifiers: ClinVar variation 1310039 (VCV001310039.3), dbSNP rs2113695205, ClinGen allele CA362687428.